The following is an entry in ClinVar:

NM_005477.3(HCN4):c.1496T>C (p.Met499Thr)

Gene: HCN4 (hyperpolarization activated cyclic nucleotide gated potassium channel 4; minus strand). Cytogenetic location: 15q24.1.
Variant type: single nucleotide variant.
Coding change: c.1496T>C on transcript NM_005477.3 (MANE Select); coding-DNA position 1496, T replaced by C.
Protein change: p.Met499Thr; replaces methionine 499 with threonine.
Molecular consequence: missense variant.
Genome position (GRCh38, 1-based): chr15:73,329,667, A>G on the plus strand (T>C on the coding strand, the complement: HCN4 is on the minus strand). VCF-style: chr15-73329667-A-G. GRCh37 (hg19) VCF-style: chr15-73622008-A-G.
Other names: c.1496T>C (NM_005477.2); short protein forms M499T.
Identifiers: ClinVar variation 3708458 (VCV003708458.3).

ClinVar aggregate classification (germline): Uncertain significance. Review status: criteria provided, multiple submitters, no conflicts (2 of 4 stars). 2 submissions from 2 submitters: Uncertain significance (2). Last evaluated 2025-05-18.

Conditions:
Cardiovascular phenotype. Identifiers: MedGen CN230736.
Brugada syndrome 8 (BRGDA8). Identifiers: Orphanet 130, MedGen C2751083, MONDO:0013148, OMIM 613123.

Submissions (2):

Ambry Genetics
Classification: Uncertain significance for Cardiovascular phenotype. Last evaluated: 2025-05-18. Review status: criteria provided, single submitter. Criteria: Ambry Variant Classification Scheme 2023. Collection method: clinical testing. Allele origin: germline.
Comment: The p.M499T variant (also known as c.1496T>C), located in coding exon 4 of the HCN4 gene, results from a T to C substitution at nucleotide position 1496. The methionine at codon 499 is replaced by threonine, an amino acid with similar properties. This amino acid position is conserved. In addition, this alteration is predicted to be deleterious by in silico analysis. Based on the available evidence, the clinical significance of this variant remains unclear.

Labcorp Genetics (formerly Invitae), Labcorp
Classification: Uncertain significance for Brugada syndrome 8. Last evaluated: 2024-11-03. Review status: criteria provided, single submitter. Criteria: Invitae Variant Classification Sherloc (09022015). Collection method: clinical testing. Allele origin: germline.
Comment: This sequence change replaces methionine, which is neutral and non-polar, with threonine, which is neutral and polar, at codon 499 of the HCN4 protein (p.Met499Thr). This variant is not present in population databases (gnomAD no frequency). This variant has not been reported in the literature in individuals affected with HCN4-related conditions. Invitae Evidence Modeling of protein sequence and biophysical properties (such as structural, functional, and spatial information, amino acid conservation, physicochemical variation, residue mobility, and thermodynamic stability) indicates that this missense variant is expected to disrupt HCN4 protein function with a positive predictive value of 95%. In summary, the available evidence is currently insufficient to determine the role of this variant in disease. Therefore, it has been classified as a Variant of Uncertain Significance.